The following is an entry in ClinVar:

ClinVar aggregate classification (germline): Uncertain significance (1 of 4 stars; one submission).

Conditions:
Pyogenic bacterial infections due to MyD88 deficiency (IMD68). Also called: PYOGENIC BACTERIAL INFECTIONS, RECURRENT, DUE TO MYD88 DEFICIENCY. Identifiers: Orphanet 183713, MedGen C2677092, MONDO:0012839, OMIM 612260.

Allele frequency attached by ClinVar (database versions not stated): TOPMed below 0.00001; gnomAD 0.00001; gnomAD exomes 0.00001.

Submission:

Labcorp Genetics (formerly Invitae), Labcorp
Classification: Uncertain significance for Pyogenic bacterial infections due to MyD88 deficiency. Last evaluated: 2020-06-30. Review status: criteria provided, single submitter. Criteria: Invitae Variant Classification Sherloc (09022015). Collection method: clinical testing. Allele origin: germline.
Comment: In summary, the available evidence is currently insufficient to determine the role of this variant in disease. Therefore, it has been classified as a Variant of Uncertain Significance. Nucleotide substitutions within the consensus splice site are a relatively common cause of aberrant splicing (PMID: 17576681, 9536098). Algorithms developed to predict the effect of sequence changes on RNA splicing suggest that this variant is not likely to affect RNA splicing, but this prediction has not been confirmed by published transcriptional studies. This variant has not been reported in the literature in individuals with MYD88-related conditions. This variant is not present in population databases (ExAC no frequency). This sequence change falls in intron 1 of the MYD88 gene. It does not directly change the encoded amino acid sequence of the MYD88 protein, but it affects a nucleotide within the consensus splice site of the intron.

Literature cited by the submitters: PubMed 17576681; PubMed 9536098.

NM_002468.5(MYD88):c.328+6G>A

Gene: MYD88 (MYD88 innate immune signal transduction adaptor; plus strand). Cytogenetic location: 3p22.2.
Variant type: single nucleotide variant.
Coding change: c.328+6G>A on transcript NM_002468.5 (MANE Select); 6 bases into the intron after coding-DNA position 328, G replaced by A.
Molecular consequence: intron variant.
Genome position (GRCh38, 1-based): chr3:38,139,034, G>A. VCF-style: chr3-38139034-G-A. GRCh37 (hg19) VCF-style: chr3-38180525-G-A.
Other names: c.328+6G>A (NM_001172567.2, NM_001374787.1, NM_001365876.1 and 4 more transcripts).
Identifiers: ClinVar variation 1002724 (VCV001002724.5), dbSNP rs1701007375, ClinGen allele CA1046969008.
Genomic context (GRCh38, chr3:38,139,034, plus strand): 5'-CTGCTTACCAAGCTGGGCCGCGACGACGTGCTGCTGGAGCTGGGACCCAGCATTGGTGAG[G>A]ACGTCCCCTTCCTGGCCTCGTACCTGGGGGGTGAGGAGGCTGACTTTCCGCGGCCTCAGC-3'